The following is an entry in ClinVar:

ClinVar aggregate classification (germline): Uncertain significance (1 of 4 stars; one submission).

gnomAD v4.1: 2 of 1,613,096 alleles (0.00012%); highest among the groups gnomAD compares: Non-Finnish European, 0.00017%; no homozygotes.

Submission:

CeGaT Center for Human Genetics Tuebingen
Classification: Uncertain significance. Last evaluated: 2024-12-01. Review status: criteria provided, single submitter. Criteria: CeGaT Center For Human Genetics Tuebingen Variant Classification Criteria Version 2. Collection method: clinical testing. Allele origin: germline. Affected: yes. Observed: 1 variant allele.
Comment: TTN: PM2, BP4

NM_001267550.2(TTN):c.11311+3740G>T

Gene: TTN (titin; minus strand). Cytogenetic location: 2q31.2.
Variant type: single nucleotide variant.
Coding change: c.11311+3740G>T on transcript NM_001267550.2 (MANE Select); 3740 bases into the intron after coding-DNA position 11311, G replaced by T.
Molecular consequence: intron variant. On other transcripts: missense variant (1).
Genome position (GRCh38, 1-based): chr2:178,749,384, C>A on the plus strand (G>T on the coding strand, the complement: TTN is on the minus strand). VCF-style: chr2-178749384-C-A. GRCh37 (hg19) VCF-style: chr2-179614111-C-A.
Other names: c.13016G>T, p.Gly4339Val (NM_133379.5); c.10222+3740G>T (NM_003319.4); c.10798+3740G>T (NM_133437.4); c.10597+3740G>T (NM_133432.3); c.10360+3740G>T (NM_133378.4, NM_001256850.1); short protein forms G4339V.
Identifiers: ClinVar variation 3771952 (VCV003771952.13).
Genomic context (GRCh38, chr2:178,749,384, plus strand): 5'-GCCTGACATTGTATGAATTCAGCCCTGATGGGCTTGCTGATTTTTATGGTTCTTGAAGCA[C>A]CATGCACAAATCTGGGAATTTTTTCTCTAGAAGGTATGCAACGCACCTGCTCTTTCTGGT-3'